The following is an entry in ClinVar:

ClinVar aggregate classification (germline): Pathogenic/Likely pathogenic. Review status: criteria provided, multiple submitters, no conflicts (2 of 4 stars). 3 submissions from 3 submitters: Pathogenic (1); Likely pathogenic (2). Last evaluated 2025-03-24.

Conditions:
Mucopolysaccharidosis, MPS-IV-B (MPS4B). Also called: MORQUIO SYNDROME B; Mucopolysaccharidosis type IVB (Morquio); MPS IVB; Mucopolysaccharidosis type IV B; Mucopolysaccharidosis Type IVB (Morquio B Disease); Mucopolysaccharidosis type 4B. Identifiers: Orphanet 309310, Orphanet 582, MedGen C0086652, MONDO:0009660, OMIM 253010.
GM1 gangliosidosis. Identifiers: Orphanet 354, MedGen C0085131, MONDO:0018149.
Infantile GM1 gangliosidosis. Also called: Gangliosidosis, Generalized GM1, Type 1; GM1-gangliosidosis, type I; Gangliosidosis, generalized GM1, infantile form; GLB1 deficiency; GM1 gangliosidosis type 1. Identifiers: Orphanet 354, Orphanet 79255, MedGen C0268271, MONDO:0009260, OMIM 230500.
GM1 gangliosidosis type 3. Also called: GM1-GANGLIOSIDOSIS, TYPE III; GANGLIOSIDOSIS, GENERALIZED GM1, ADULT TYPE; GANGLIOSIDOSIS, GENERALIZED GM1, CHRONIC TYPE; Gangliosidosis, Generalized GM1, Type 3; GANGLIOSIDOSIS, GENERALIZED GM1, TYPE III; Beta-galactosidase deficiency. Identifiers: Orphanet 79257, MedGen C0268273, MONDO:0009262, OMIM 230650.
GM1 gangliosidosis type 2. Also called: GM1-GANGLIOSIDOSIS, TYPE II; GANGLIOSIDOSIS, GENERALIZED GM1, JUVENILE TYPE; Gangliosidosis, Generalized GM1, Type 2; GANGLIOSIDOSIS, GENERALIZED GM1, TYPE II; Juvenile GM>1< gangliosidosis. Identifiers: Orphanet 354, Orphanet 79256, MedGen C0268272, MONDO:0009261, OMIM 230600.

Allele frequency attached by ClinVar (database versions not stated): gnomAD exomes 0.00001.
gnomAD v4.1: 14 of 1,614,056 alleles (0.00087%); highest among the groups gnomAD compares: South Asian, 0.0022%; no homozygotes.

Submissions (3):

Natera, Inc.
Classification: Likely pathogenic for Mucopolysaccharidosis, MPS-IV-B. Last evaluated: 2025-03-24. Review status: criteria provided, single submitter. Criteria: Natera Variant Classification Schema (03/2026). Collection method: clinical testing. Allele origin: germline.
Comment: The c.1324C>T variant in GLB1 is a nonsense variant predicted to introduce a stop codon at amino acid 442. This variant is expected to result in nonsense mediated decay, truncation, or a dysfunctional protein product. This variant is rare in the general population with a frequency below the threshold expected for the associated phenotype(s). Given the available evidence, this variant is classified as Likely Pathogenic.

Fulgent Genetics
Classification: Likely pathogenic for Infantile GM1 gangliosidosis; GM1 gangliosidosis type 2; GM1 gangliosidosis type 3; Mucopolysaccharidosis, MPS-IV-B. Last evaluated: 2024-03-08. Review status: criteria provided, single submitter. Criteria: ACMG Guidelines, 2015. Collection method: clinical testing. Allele origin: germline.

Labcorp Genetics (formerly Invitae), Labcorp
Classification: Pathogenic for Mucopolysaccharidosis, MPS-IV-B; GM1 gangliosidosis. Last evaluated: 2020-09-20. Review status: criteria provided, single submitter. Criteria: Invitae Variant Classification Sherloc (09022015). Collection method: clinical testing. Allele origin: germline.
Comment: For these reasons, this variant has been classified as Pathogenic. Loss-of-function variants in GLB1 are known to be pathogenic (PMID: 18524657). This variant has not been reported in the literature in individuals with GLB1-related conditions. This variant is not present in population databases (ExAC no frequency). This sequence change creates a premature translational stop signal (p.Arg442*) in the GLB1 gene. It is expected to result in an absent or disrupted protein product.

Literature cited by the submitters: PubMed 18524657 (cited by Labcorp Genetics (formerly Invitae), Labcorp).

NM_000404.4(GLB1):c.1324C>T (p.Arg442Ter)

Gene: GLB1 (galactosidase beta 1; minus strand). Cytogenetic location: 3p22.3.
Variant type: single nucleotide variant.
Coding change: c.1324C>T on transcript NM_000404.4 (MANE Select); coding-DNA position 1324, C replaced by T.
Protein change: p.Arg442Ter; replaces arginine 442 with a stop codon.
Molecular consequence: nonsense.
Genome position (GRCh38, 1-based): chr3:33,018,471, G>A on the plus strand (C>T on the coding strand, the complement: GLB1 is on the minus strand). VCF-style: chr3-33018471-G-A. GRCh37 (hg19) VCF-style: chr3-33059963-G-A.
Other names: c.1234C>T, p.Arg412Ter (NM_001079811.3); c.931C>T, p.Arg311Ter (NM_001135602.3); c.1468C>T, p.Arg490Ter (NM_001317040.2); c.1324C>T (NM_000404.3); short protein forms R311*, R412*, R442*, R490*.
Identifiers: ClinVar variation 1069817 (VCV001069817.8), dbSNP rs2125469895, ClinGen allele CA351992056.